The following is an entry in ClinVar:

ClinVar aggregate classification (germline): Uncertain significance. Review status: criteria provided, multiple submitters, no conflicts (2 of 4 stars). 2 submissions from 2 submitters: Uncertain significance (2). Last evaluated 2025-11-11.

Conditions:
Hypoproteinemia, hypercatabolic (IMD43). Also called: IMMUNODEFICIENCY 43; BETA-2-MICROGLOBULIN DEFICIENCY; B2M DEFICIENCY; MHC CLASS I DEFICIENCY 4. Identifiers: MedGen C1855796, MONDO:0009434, OMIM 241600.
Amyloidosis, hereditary systemic 6. Identifiers: MedGen C5935573, MONDO:0971010, OMIM 620659.

Allele frequency attached by ClinVar (database versions not stated): ExAC 0.00002; gnomAD exomes 0.00005 and 0.00006; ESP Exome Variant Server 0.00008; TOPMed 0.00009; gnomAD 0.00010 and 0.00011.
gnomAD v4.1: 104 of 1,614,110 alleles (0.0064%); highest among the groups gnomAD compares: Non-Finnish European, 0.0075%; no homozygotes.

Submissions (2):

Labcorp Genetics (formerly Invitae), Labcorp
Classification: Uncertain significance for Hypoproteinemia, hypercatabolic. Last evaluated: 2025-11-11. Review status: criteria provided, single submitter. Criteria: Invitae Variant Classification Sherloc (09022015). Collection method: clinical testing. Allele origin: germline.
Comment: This sequence change replaces lysine, which is basic and polar, with glutamine, which is neutral and polar, at codon 114 of the B2M protein (p.Lys114Gln). This variant is present in population databases (rs372078625, gnomAD 0.01%). This variant has not been reported in the literature in individuals affected with B2M-related conditions. ClinVar contains an entry for this variant (Variation ID: 1399008). An algorithm developed to predict the effect of missense changes on protein structure and function (PolyPhen-2) suggests that this variant is likely to be tolerated. In summary, the available evidence is currently insufficient to determine the role of this variant in disease. Therefore, it has been classified as a Variant of Uncertain Significance.

Fulgent Genetics
Classification: Uncertain significance for Hypoproteinemia, hypercatabolic; Amyloidosis, hereditary systemic 6. Last evaluated: 2024-05-24. Review status: criteria provided, single submitter. Criteria: ACMG Guidelines, 2015. Collection method: clinical testing. Allele origin: germline.

NM_004048.4(B2M):c.340A>C (p.Lys114Gln)

Gene: B2M (beta-2-microglobulin; plus strand). Cytogenetic location: 15q21.1.
Variant type: single nucleotide variant.
Coding change: c.340A>C on transcript NM_004048.4 (MANE Select); coding-DNA position 340, A replaced by C.
Protein change: p.Lys114Gln; replaces lysine 114 with glutamine.
Molecular consequence: missense variant.
Genome position (GRCh38, 1-based): chr15:44,715,695, A>C. VCF-style: chr15-44715695-A-C. GRCh37 (hg19) VCF-style: chr15-45007893-A-C.
Other names: short protein forms K114Q.
Identifiers: ClinVar variation 1399008 (VCV001399008.6), dbSNP rs372078625, ClinGen allele CA7536310.